The following is an entry in ClinVar:

NM_004369.4(COL6A3):c.6769G>A (p.Ala2257Thr)

Gene: COL6A3 (collagen type VI alpha 3 chain; minus strand). Cytogenetic location: 2q37.3.
Variant type: single nucleotide variant.
Coding change: c.6769G>A on transcript NM_004369.4 (MANE Select); coding-DNA position 6769, G replaced by A.
Protein change: p.Ala2257Thr; replaces alanine 2257 with threonine.
Molecular consequence: missense variant.
Genome position (GRCh38, 1-based): chr2:237,351,177, C>T on the plus strand (G>A on the coding strand, the complement: COL6A3 is on the minus strand). VCF-style: chr2-237351177-C-T. GRCh37 (hg19) VCF-style: chr2-238259820-C-T.
Other names: c.4948G>A, p.Ala1650Thr (NM_057166.5); c.6151G>A, p.Ala2051Thr (NM_057167.4); short protein forms A2257T, A1650T, A2051T.
Identifiers: ClinVar variation 288872 (VCV000288872.22), dbSNP rs372154635, ClinGen allele CA2188088.

ClinVar aggregate classification (germline): Conflicting classifications of pathogenicity. Review status: criteria provided, conflicting classifications (1 of 4 stars). 6 submissions from 6 submitters: Uncertain significance (5); Likely benign (1). Last evaluated 2025-11-21.

Conditions:
Bethlem myopathy 1A. Also called: Bethlem Muscular Dystrophy; MYOPATHY, BENIGN CONGENITAL, WITH CONTRACTURES; Bethlem myopathy 1. Identifiers: Orphanet 610, MedGen CN029274, MONDO:0024530, OMIM 158810.

Allele frequency attached by ClinVar (database versions not stated): TOPMed 0.00009; ExAC 0.00010; gnomAD exomes 0.00011 and 0.00013; gnomAD 0.00013 and 0.00014; ESP Exome Variant Server 0.00015.
gnomAD v4.1: 200 of 1,614,064 alleles (0.012%); highest among the groups gnomAD compares: Non-Finnish European, 0.015%; no homozygotes.

Submissions (6):

Labcorp Genetics (formerly Invitae), Labcorp
Classification: Likely benign for Bethlem myopathy 1A. Last evaluated: 2025-11-21. Review status: criteria provided, single submitter. Criteria: Invitae Variant Classification Sherloc (09022015). Collection method: clinical testing. Allele origin: germline.

GeneDx
Classification: Uncertain significance. Last evaluated: 2025-03-21. Review status: criteria provided, single submitter. Criteria: GeneDx Variant Classification Process June 2021. Collection method: clinical testing. Allele origin: germline. Affected: yes.
Comment: Previously reported as a variant of uncertain significance in an individual with a clinical diagnosis of LGMD (PMID: 30564623); In silico analysis indicates that this missense variant does not alter protein structure/function; This variant is associated with the following publications: (PMID: 30564623)

Revvity Omics, Revvity
Classification: Uncertain significance. Last evaluated: 2022-03-09. Review status: criteria provided, single submitter. Criteria: ACMG Guidelines, 2015. Collection method: clinical testing. Allele origin: germline.

Mayo Clinic Laboratories, Mayo Clinic
Classification: Uncertain significance. Last evaluated: 2020-03-19. Review status: criteria provided, single submitter. Criteria: ACMG Guidelines, 2015. Collection method: clinical testing. Allele origin: germline. Observed: 3 variant alleles.

Athena Diagnostics
Classification: Uncertain significance. Last evaluated: 2017-04-19. Review status: criteria provided, single submitter. Criteria: Athena Diagnostics Criteria. Collection method: clinical testing. Allele origin: germline.

Eurofins Ntd Llc (ga)
Classification: Uncertain significance. Last evaluated: 2017-02-06. Review status: criteria provided, single submitter. Criteria: EGL Classification Definitions 2015. Collection method: clinical testing. Allele origin: germline. Observed: 5 variant alleles, 5 heterozygotes.